The following is an entry in ClinVar:

NM_004006.3(DMD):c.7499T>C (p.Val2500Ala)

Gene: DMD (dystrophin; minus strand). Cytogenetic location: Xp21.1.
Variant type: single nucleotide variant.
Coding change: c.7499T>C on transcript NM_004006.3 (MANE Select); coding-DNA position 7499, T replaced by C.
Protein change: p.Val2500Ala; replaces valine 2500 with alanine.
Molecular consequence: missense variant.
Genome position (GRCh38, 1-based): chrX:31,774,003, A>G on the plus strand (T>C on the coding strand, the complement: DMD is on the minus strand). VCF-style: chrX-31774003-A-G. GRCh37 (hg19) VCF-style: chrX-31792120-A-G.
Other names: c.7475T>C, p.Val2492Ala (NM_000109.4); c.7487T>C, p.Val2496Ala (NM_004009.3); c.7130T>C, p.Val2377Ala (NM_004010.3); c.3476T>C, p.Val1159Ala (NM_004011.4); c.3467T>C, p.Val1156Ala (NM_004012.4); c.119T>C, p.Val40Ala (NM_004013.3, NM_004020.4, NM_004021.3 and 2 more transcripts); short protein forms V40A, V1156A, V2496A, V2500A, V1159A, V2377A, V2492A.
Identifiers: ClinVar variation 1407362 (VCV001407362.9), dbSNP rs867197764, ClinGen allele CA328470488.

ClinVar aggregate classification (germline): Uncertain significance. Review status: criteria provided, multiple submitters, no conflicts (2 of 4 stars). 2 submissions from 2 submitters: Uncertain significance (2). Last evaluated 2022-08-09.

Conditions:
Duchenne muscular dystrophy (DMD). Also called: MUSCULAR DYSTROPHY, PSEUDOHYPERTROPHIC PROGRESSIVE, DUCHENNE TYPE; Duchenne Muscular Dystrophy (DMD). Identifiers: Orphanet 98896, MedGen C0013264, MONDO:0010679, OMIM 310200.
Cardiovascular phenotype. Identifiers: MedGen CN230736.

Allele frequency attached by ClinVar (database versions not stated): gnomAD 0.00001; TOPMed 0.00001.
gnomAD v4.1: 2 of 1,207,303 alleles (0.00017%); highest among the groups gnomAD compares: African/African-American, 0.0018%; no homozygotes.

Submissions (2):

Labcorp Genetics (formerly Invitae), Labcorp
Classification: Uncertain significance for Duchenne muscular dystrophy. Last evaluated: 2022-08-09. Review status: criteria provided, single submitter. Criteria: Invitae Variant Classification Sherloc (09022015). Collection method: clinical testing. Allele origin: germline.
Comment: This sequence change replaces valine, which is neutral and non-polar, with alanine, which is neutral and non-polar, at codon 2500 of the DMD protein (p.Val2500Ala). This variant is present in population databases (no rsID available, gnomAD 0.02%). This variant has not been reported in the literature in individuals affected with DMD-related conditions. ClinVar contains an entry for this variant (Variation ID: 1407362). Algorithms developed to predict the effect of missense changes on protein structure and function are either unavailable or do not agree on the potential impact of this missense change (SIFT: "Deleterious"; PolyPhen-2: "Benign"; Align-GVGD: "Class C55"). In summary, the available evidence is currently insufficient to determine the role of this variant in disease. Therefore, it has been classified as a Variant of Uncertain Significance.

Ambry Genetics
Classification: Uncertain significance for Cardiovascular phenotype. Last evaluated: 2020-07-13. Review status: criteria provided, single submitter. Criteria: Ambry Variant Classification Scheme 2023. Collection method: clinical testing. Allele origin: germline.
Comment: The p.V2500A variant (also known as c.7499T>C), located in coding exon 51 of the DMD gene, results from a T to C substitution at nucleotide position 7499. The valine at codon 2500 is replaced by alanine, an amino acid with similar properties. This amino acid position is highly conserved in available vertebrate species. In addition, the in silico prediction for this alteration is inconclusive. Since supporting evidence is limited at this time, the clinical significance of this alteration remains unclear.